The following is an entry in ClinVar:

NM_000089.4(COL1A2):c.1156G>A (p.Glu386Lys)

Gene: COL1A2 (collagen type I alpha 2 chain; plus strand). Cytogenetic location: 7q21.3.
Variant type: single nucleotide variant.
Coding change: c.1156G>A on transcript NM_000089.4 (MANE Select); coding-DNA position 1156, G replaced by A.
Protein change: p.Glu386Lys; replaces glutamic acid 386 with lysine.
Molecular consequence: missense variant.
Genome position (GRCh38, 1-based): chr7:94,410,486, G>A. VCF-style: chr7-94410486-G-A. GRCh37 (hg19) VCF-style: chr7-94039798-G-A.
Other names: short protein forms E386K.
Identifiers: ClinVar variation 2630927 (VCV002630927.1), dbSNP rs1354740009, ClinGen allele CA368221268.
Genomic context (GRCh38, chr7:94,410,486, plus strand): 5'-GCTGGGCCCCAAGGTCCTCCTGGTCCCAGTGGTGAAGAAGGAAAGAGAGGCCCTAATGGG[G>A]AAGCTGGATCTGCCGGCCCTCCAGGACCTCCTGGGCTGAGAGTAGGTTTCAAATGCTCCC-3'
Protein context (NP_000080.2, residues 376-396): GEEGKRGPNG[Glu386Lys]AGSAGPPGPP

ClinVar aggregate classification (germline): Uncertain significance (1 of 4 stars; one submission).

Conditions:
COL1A2-related disorder. Also called: COL1A2-related condition; COL1A2-Related Disorders.

Allele frequency attached by ClinVar (database versions not stated): gnomAD exomes below 0.00001.
gnomAD v4.1: 4 of 1,550,224 alleles (0.00026%); highest among the groups gnomAD compares: Non-Finnish European, 0.00035%; no homozygotes.

Submission:

PreventionGenetics, part of Exact Sciences
Classification: Uncertain significance for COL1A2-related condition. Last evaluated: 2023-08-16. Review status: criteria provided, single submitter. Criteria: ACMG Guidelines, 2015. Collection method: clinical testing. Allele origin: germline.
Comment: The COL1A2 c.1156G>A variant is predicted to result in the amino acid substitution p.Glu386Lys. To our knowledge, this variant has not been reported in the literature. This variant is reported in 0.0016% of alleles in individuals of European (Non-Finnish) descent in gnomAD. At this time, the clinical significance of this variant is uncertain due to the absence of conclusive functional and genetic evidence.